The following is an entry in ClinVar:

ClinVar aggregate classification (germline): Uncertain significance (1 of 4 stars; one submission).

Submission:

Labcorp Genetics (formerly Invitae), Labcorp
Classification: Uncertain significance. Last evaluated: 2021-10-13. Review status: criteria provided, single submitter. Criteria: Invitae Variant Classification Sherloc (09022015). Collection method: clinical testing. Allele origin: germline.
Comment: This sequence change replaces lysine with arginine at codon 862 of the CTNNA1 protein (p.Lys862Arg). The lysine residue is highly conserved and there is a small physicochemical difference between lysine and arginine. This variant is not present in population databases (ExAC no frequency). This variant has not been reported in the literature in individuals affected with CTNNA1-related conditions. In summary, the available evidence is currently insufficient to determine the role of this variant in disease. Therefore, it has been classified as a Variant of Uncertain Significance. Algorithms developed to predict the effect of missense changes on protein structure and function are either unavailable or do not agree on the potential impact of this missense change (SIFT: "Deleterious"; PolyPhen-2: "Benign"; Align-GVGD: "Class C0").

NM_001903.5(CTNNA1):c.2585A>G (p.Lys862Arg)

Gene: CTNNA1 (catenin alpha 1; plus strand). Cytogenetic location: 5q31.2.
Variant type: single nucleotide variant.
Coding change: c.2585A>G on transcript NM_001903.5 (MANE Select); coding-DNA position 2585, A replaced by G.
Protein change: p.Lys862Arg; replaces lysine 862 with arginine.
Molecular consequence: missense variant. On other transcripts: 3 prime UTR variant (5).
Genome position (GRCh38, 1-based): chr5:138,933,953, A>G. VCF-style: chr5-138933953-A-G. GRCh37 (hg19) VCF-style: chr5-138269642-A-G.
Other names: c.1475A>G, p.Lys492Arg (NM_001323991.1, NM_001323992.1, NM_001323993.1 and 12 more transcripts); c.2585A>G, p.Lys862Arg (NM_001323982.2, NM_001323983.1, NM_001323984.2); c.2558A>G, p.Lys853Arg (NM_001323985.2); c.2492A>G, p.Lys831Arg (NM_001323986.2); c.1340A>G, p.Lys447Arg (NM_001324001.1); c.*130A>G (NM_001324002.1, NM_001324003.1, NM_001324004.1 and 2 more transcripts); c.1136A>G, p.Lys379Arg (NM_001324006.1, NM_001324007.1, NM_001324008.1 and 2 more transcripts); c.1382A>G, p.Lys461Arg (NM_001324011.1); and 3 more; short protein forms K379R, K739R, K411R, K759R, K831R, K447R, K461R, K492R.
Identifiers: ClinVar variation 1481249 (VCV001481249.6), dbSNP rs2150359445, ClinGen allele CA361135538.
Genomic context (GRCh38, chr5:138,933,953, plus strand): 5'-AATACCAAAAGTCACAGGGTATGGCTTCCCTCAACCTTCCTGCTGTGTCATGGAAGATGA[A>G]GGCACCAGAGAAAAAGCCATTGGTGAAGAGAGAGAAACAGGATGAGACACAGACCAAGAT-3'
Protein context (NP_001894.2, residues 852-872): LNLPAVSWKM[Lys862Arg]APEKKPLVKR